The following is an entry in ClinVar:

NM_001367624.2(ZNF469):c.4390T>C (p.Phe1464Leu)

Gene: ZNF469 (zinc finger protein 469; plus strand). Cytogenetic location: 16q24.2.
Variant type: single nucleotide variant.
Coding change: c.4390T>C on transcript NM_001367624.2 (MANE Select); coding-DNA position 4390, T replaced by C.
Protein change: p.Phe1464Leu; replaces phenylalanine 1464 with leucine.
Molecular consequence: missense variant.
Genome position (GRCh38, 1-based): chr16:88,431,860, T>C. VCF-style: chr16-88431860-T-C. GRCh37 (hg19) VCF-style: chr16-88498268-T-C.
Other names: NM_001127464.1:c.4306T>C; short protein forms F1464L.
Identifiers: ClinVar variation 3258207 (VCV003258207.1).

ClinVar aggregate classification (germline): Uncertain significance (1 of 4 stars; one submission).

Conditions:
Cardiovascular phenotype. Identifiers: MedGen CN230736.

gnomAD v4.1: 2 of 1,550,030 alleles (0.00013%); highest among the groups gnomAD compares: African/African-American, 0.0027%; no homozygotes.

Submission:

Ambry Genetics
Classification: Uncertain significance for Cardiovascular phenotype. Last evaluated: 2024-03-16. Review status: criteria provided, single submitter. Criteria: Ambry Variant Classification Scheme 2023. Collection method: clinical testing. Allele origin: germline.
Comment: The p.F1436L variant (also known as c.4306T>C), located in coding exon 2 of the ZNF469 gene, results from a T to C substitution at nucleotide position 4306. The phenylalanine at codon 1436 is replaced by leucine, an amino acid with highly similar properties. This amino acid position is conserved. In addition, this alteration is predicted to be tolerated by in silico analysis. Based on the available evidence, the clinical significance of this alteration remains unclear.